The following is an entry in ClinVar:

NM_001277115.2(DNAH11):c.11203-1G>C

Gene: DNAH11 (dynein axonemal heavy chain 11; plus strand). Cytogenetic location: 7p15.3.
Variant type: single nucleotide variant.
Coding change: c.11203-1G>C on transcript NM_001277115.2 (MANE Select); the canonical splice acceptor site of the intron before coding-DNA position 11203, G replaced by C.
Molecular consequence: splice acceptor variant.
Genome position (GRCh38, 1-based): chr7:21,861,852, G>C. VCF-style: chr7-21861852-G-C. GRCh37 (hg19) VCF-style: chr7-21901470-G-C.
Identifiers: ClinVar variation 969771 (VCV000969771.10), dbSNP rs1783074775, ClinGen allele CA366960999.

ClinVar aggregate classification (germline): Pathogenic/Likely pathogenic. Review status: criteria provided, multiple submitters, no conflicts (2 of 4 stars). 2 submissions from 2 submitters: Pathogenic (1); Likely pathogenic (1). Last evaluated 2023-08-24.

Conditions:
Primary ciliary dyskinesia. Also called: Ciliary dyskinesia. Identifiers: Orphanet 244, MedGen C0008780, MONDO:0016575, HP:0012265.

Submissions (2):

Labcorp Genetics (formerly Invitae), Labcorp
Classification: Pathogenic for Primary ciliary dyskinesia. Last evaluated: 2023-08-24. Review status: criteria provided, single submitter. Criteria: Invitae Variant Classification Sherloc (09022015). Collection method: clinical testing. Allele origin: germline.
Comment: This sequence change affects an acceptor splice site in intron 68 of the DNAH11 gene. It is expected to disrupt RNA splicing. Variants that disrupt the donor or acceptor splice site typically lead to a loss of protein function (PMID: 16199547), and loss-of-function variants in DNAH11 are known to be pathogenic (PMID: 18022865, 20513915, 22184204). This variant is not present in population databases (gnomAD no frequency). Disruption of this splice site has been observed in individuals with primary ciliary dyskinesia (PMID: 31772028; Invitae). ClinVar contains an entry for this variant (Variation ID: 969771). Algorithms developed to predict the effect of sequence changes on RNA splicing suggest that this variant may disrupt the consensus splice site. For these reasons, this variant has been classified as Pathogenic.

Ambry Genetics
Classification: Likely pathogenic for Primary ciliary dyskinesia. Last evaluated: 2016-03-25. Review status: criteria provided, single submitter. Criteria: Ambry Variant Classification Scheme 2023. Collection method: clinical testing. Allele origin: germline.
Comment: The c.11203-1G>C intronic variant results from a G to C substitution one nucleotide upstream from coding exon 69 of the DNAH11 gene. This variant was not reported in population based cohorts in the following databases: Database of Single Nucleotide Polymorphisms (dbSNP), NHLBI Exome Sequencing Project (ESP), and 1000 Genomes Project. In the ESP, this variant was not observed in 6106 samples (12212 alleles) with coverage at this position. This nucleotide position is highly conserved in available vertebrate species. Using the BDGP splice site prediction tool, this alteration is predicted to abolish the native splice acceptor site; although no direct evidence is available. Alterations that disrupt the canonical splice acceptor site are typically deleterious in nature (ACMG Recommendations for Standards for Interpretation and Reporting of Sequence Variations. Revision 2007. Genet Med. 2008;10:294). As such, the c.11203-1G>C variant is classified as likely pathogenic.

Literature cited by the submitters: PubMed 16199547 (cited by Labcorp Genetics (formerly Invitae), Labcorp); PubMed 18022865 (cited by Labcorp Genetics (formerly Invitae), Labcorp); PubMed 20513915 (cited by Labcorp Genetics (formerly Invitae), Labcorp); PubMed 22184204 (cited by Labcorp Genetics (formerly Invitae), Labcorp); PubMed 31772028 (cited by Labcorp Genetics (formerly Invitae), Labcorp).